The following is an entry in ClinVar:

ClinVar aggregate classification (germline): Uncertain significance (1 of 4 stars; one submission).

Allele frequency attached by ClinVar (database versions not stated): gnomAD exomes below 0.00001; TOPMed 0.00001; gnomAD 0.00002.
gnomAD v4.1: 4 of 1,611,952 alleles (0.00025%); highest among the groups gnomAD compares: African/African-American, 0.004%; no homozygotes.

Submission:

Labcorp Genetics (formerly Invitae), Labcorp
Classification: Uncertain significance. Last evaluated: 2022-01-17. Review status: criteria provided, single submitter. Criteria: Invitae Variant Classification Sherloc (09022015). Collection method: clinical testing. Allele origin: germline.
Comment: This sequence change replaces leucine, which is neutral and non-polar, with phenylalanine, which is neutral and non-polar, at codon 903 of the C2CD3 protein (p.Leu903Phe). This variant is present in population databases (no rsID available, gnomAD 0.0009%). In summary, the available evidence is currently insufficient to determine the role of this variant in disease. Therefore, it has been classified as a Variant of Uncertain Significance. Algorithms developed to predict the effect of missense changes on protein structure and function are either unavailable or do not agree on the potential impact of this missense change (SIFT: "Deleterious"; PolyPhen-2: "Probably Damaging"; Align-GVGD: "Class C15"). This variant has not been reported in the literature in individuals affected with C2CD3-related conditions.

NM_001286577.2(C2CD3):c.2707C>T (p.Leu903Phe)

Gene: C2CD3 (C2 domain containing 3 centriole elongation regulator; minus strand). Cytogenetic location: 11q13.4.
Variant type: single nucleotide variant.
Coding change: c.2707C>T on transcript NM_001286577.2 (MANE Select); coding-DNA position 2707, C replaced by T.
Protein change: p.Leu903Phe; replaces leucine 903 with phenylalanine.
Molecular consequence: missense variant.
Genome position (GRCh38, 1-based): chr11:74,100,550, G>A on the plus strand (C>T on the coding strand, the complement: C2CD3 is on the minus strand). VCF-style: chr11-74100550-G-A. GRCh37 (hg19) VCF-style: chr11-73811595-G-A.
Other names: c.2707C>T, p.Leu903Phe (NM_015531.6); short protein forms L903F.
Identifiers: ClinVar variation 1927110 (VCV001927110.5), dbSNP rs1271887670, ClinGen allele CA381831576.
Genomic context (GRCh38, chr11:74,100,550, plus strand): 5'-GCACAATAAAGAATACTCCAAAAGGTCCTATTTACTTGAATGACATGTAAAACTGGTGGA[G>A]GGGAAGTTTCACCAGCCCGAGCAGCTTGTCCTGTCCTGGGCTCCGCACCTTATTCCAAGT-3'
Protein context (NP_001273506.1, residues 893-913): DKLLGLVKLP[Leu903Phe]HQFYMSFKDA